The following is an entry in ClinVar:

ClinVar aggregate classification (germline): Uncertain significance (1 of 4 stars; one submission).

Conditions:
Early-infantile DEE. Also called: Early infantile epileptic encephalopathy; Early infantile epileptic encephalopathy with suppression bursts; Ohtahara syndrome. Identifiers: Orphanet 1934, MedGen C0393706, MONDO:0800491.

Submission:

Labcorp Genetics (formerly Invitae), Labcorp
Classification: Uncertain significance for Early-infantile DEE. Last evaluated: 2022-03-12. Review status: criteria provided, single submitter. Criteria: Invitae Variant Classification Sherloc (09022015). Collection method: clinical testing. Allele origin: germline.
Comment: In summary, the available evidence is currently insufficient to determine the role of this variant in disease. Therefore, it has been classified as a Variant of Uncertain Significance. Algorithms developed to predict the effect of missense changes on protein structure and function (SIFT, PolyPhen-2, Align-GVGD) all suggest that this variant is likely to be disruptive. This variant has not been reported in the literature in individuals affected with SPTAN1-related conditions. This variant is not present in population databases (gnomAD no frequency). This sequence change replaces arginine, which is basic and polar, with leucine, which is neutral and non-polar, at codon 1464 of the SPTAN1 protein (p.Arg1464Leu).

NM_001130438.3(SPTAN1):c.4391G>T (p.Arg1464Leu)

Gene: SPTAN1 (spectrin alpha, non-erythrocytic 1; plus strand). Cytogenetic location: 9q34.11.
Variant type: single nucleotide variant.
Coding change: c.4391G>T on transcript NM_001130438.3 (MANE Select); coding-DNA position 4391, G replaced by T.
Protein change: p.Arg1464Leu; replaces arginine 1464 with leucine.
Molecular consequence: missense variant.
Genome position (GRCh38, 1-based): chr9:128,608,176, G>T. VCF-style: chr9-128608176-G-T. GRCh37 (hg19) VCF-style: chr9-131370455-G-T.
Other names: c.4427G>T, p.Arg1476Leu (NM_001375312.2, NM_001375318.1); c.4391G>T, p.Arg1464Leu (NM_001375313.1, NM_003127.4, NM_001363759.2 and 2 more transcripts); c.4331G>T, p.Arg1444Leu (NM_001375314.2, NM_001195532.2, NM_001363765.2); short protein forms R1476L, R1444L, R1464L.
Identifiers: ClinVar variation 2109866 (VCV002109866.4), dbSNP rs2541757106, ClinGen allele CA375066983.